The following is an entry in ClinVar:

ClinVar aggregate classification (germline): Pathogenic. Review status: criteria provided, multiple submitters, no conflicts (2 of 4 stars). 2 submissions from 2 submitters: Pathogenic (2). Last evaluated 2024-08-06.

Conditions:
Autosomal recessive nonsyndromic hearing loss 21. Identifiers: Orphanet 90636, MedGen C1863655, MONDO:0011351, OMIM 603629.

Allele frequency attached by ClinVar (database versions not stated): ExAC 0.00001; gnomAD exomes 0.00001.
gnomAD v4.1: 20 of 1,613,734 alleles (0.0012%); highest among the groups gnomAD compares: Admixed American, 0.0033%; no homozygotes.

Submissions (2):

Labcorp Genetics (formerly Invitae), Labcorp
Classification: Pathogenic. Last evaluated: 2024-08-06. Review status: criteria provided, single submitter. Criteria: Invitae Variant Classification Sherloc (09022015). Collection method: clinical testing. Allele origin: germline.
Comment: This sequence change creates a premature translational stop signal (p.Arg1174*) in the TECTA gene. It is expected to result in an absent or disrupted protein product. Loss-of-function variants in TECTA are known to be pathogenic (PMID: 11087000, 12746400, 17431902, 24130743). This variant is present in population databases (rs769965398, gnomAD 0.003%). This variant has not been reported in the literature in individuals affected with TECTA-related conditions. ClinVar contains an entry for this variant (Variation ID: 2176757). For these reasons, this variant has been classified as Pathogenic.

Victorian Clinical Genetics Services, Murdoch Childrens Research Institute
Classification: Pathogenic for Autosomal recessive nonsyndromic hearing loss 21. Last evaluated: 2021-05-06. Review status: criteria provided, single submitter. Criteria: ACMG Guidelines, 2015. Collection method: clinical testing. Allele origin: germline. Inheritance: Autosomal recessive inheritance. Affected: yes.
Comment: Based on the classification scheme VCGS_Germline_v1.3.4, this variant is classified as Pathogenic. Following criteria are met: 0102 - Loss of function is a known mechanism of disease in this gene and is associated with autosomal recessive deafness 21 (MIM#603629). The mechanism for autosomal dominant deafness, 8/12 (MIM#601543) is unknown, but dominant negative is a suggested mechanism (OMIM, PMID: 31554319). (I) 0108 - This gene is associated with both recessive and dominant disease. Generally, biallelic loss of functional variants cause recessive deafness, while missense variants cause dominant deafness (PMID: 9949200, PMID: 20947814, PMID: 28946916). (I) 0201 - Variant is predicted to cause nonsense-mediated decay (NMD) and loss of protein (premature termination codon is located at least 54 nucleotides upstream of the final exon-exon junction). (SP) 0252 - This variant is homozygous. (I) 0304 - Variant is present in gnomAD (v2) <0.01 for a recessive condition (3 heterozygotes, 0 homozygotes). (SP) 0701 - Other NMD-predicted variants comparable to the one identified in this case have very strong previous evidence for pathogenicity. These variants have been reported as pathogenic, and are observed in individuals with autosomal recessive deafness (ClinVar, Decipher, PMID: 28946916). (SP) 0809 - Previous evidence of pathogenicity for this variant is inconclusive. This variant has been previously reported as a VUS (deafnessvariationdatabase). (I) 0905 - No published segregation evidence has been identified for this variant. (I) 1007 - No published functional evidence has been identified for this variant. (I) 1208 - Inheritance information for this variant is not currently available in this individual. (I) Legend: (SP) - Supporting pathogenic, (I) - Information, (SB) - Supporting benign

Literature cited by the submitters: PubMed 11087000 (cited by Labcorp Genetics (formerly Invitae), Labcorp); PubMed 12746400 (cited by Labcorp Genetics (formerly Invitae), Labcorp); PubMed 17431902 (cited by Labcorp Genetics (formerly Invitae), Labcorp); PubMed 24130743 (cited by Labcorp Genetics (formerly Invitae), Labcorp); PubMed 9949200 (cited by Victorian Clinical Genetics Services, Murdoch Childrens Research Institute); PubMed 22037481 (cited by Victorian Clinical Genetics Services, Murdoch Childrens Research Institute); PubMed 28946916 (cited by Victorian Clinical Genetics Services, Murdoch Childrens Research Institute); PubMed 31554319 (cited by Victorian Clinical Genetics Services, Murdoch Childrens Research Institute); PubMed 20947814 (cited by Victorian Clinical Genetics Services, Murdoch Childrens Research Institute).

NM_005422.4(TECTA):c.3520C>T (p.Arg1174Ter)

Genes: TECTA (tectorin alpha; plus strand), TBCEL-TECTA (TBCEL-TECTA readthrough; plus strand). Cytogenetic location: 11q23.3.
Variant type: single nucleotide variant.
Coding change: c.3520C>T on transcript NM_005422.4 (MANE Select); coding-DNA position 3520, C replaced by T.
Protein change: p.Arg1174Ter; replaces arginine 1174 with a stop codon.
Molecular consequence: nonsense.
Genome position (GRCh38, 1-based): chr11:121,137,999, C>T. VCF-style: chr11-121137999-C-T. GRCh37 (hg19) VCF-style: chr11-121008708-C-T.
Other names: c.4477C>T, p.Arg1493Ter (NM_001378761.1); c.3520C>T (NM_005422.2); short protein forms R1493*, R1174*.
Identifiers: ClinVar variation 2176757 (VCV002176757.3), dbSNP rs769965398, ClinGen allele CA6327218.
Genomic context (GRCh38, chr11:121,137,999, plus strand): 5'-CTGGCCTTGTGGGTTAAGCAGGTGGACGTGACCGTGTTTGGCTACAGCATCGTGATCCAC[C>T]GAGCTTACAAGCACACTGTGCTGGTGAGTAGTCATGAGGTCCCCTCAAAAGGGGAATCGT-3'